The following is an entry in ClinVar:

NM_001330260.2(SCN8A):c.3510G>A (p.Lys1170=)

Gene: SCN8A (sodium voltage-gated channel alpha subunit 8; plus strand). Cytogenetic location: 12q13.13.
Variant type: single nucleotide variant.
Coding change: c.3510G>A on transcript NM_001330260.2 (MANE Select); coding-DNA position 3510, G replaced by A.
Protein change: p.Lys1170=; no amino-acid change (lysine 1170 retained).
Molecular consequence: synonymous variant.
Genome position (GRCh38, 1-based): chr12:51,770,548, G>A. VCF-style: chr12-51770548-G-A. GRCh37 (hg19) VCF-style: chr12-52164332-G-A.
Other names: c.3510G>A, p.Lys1170= (NM_001177984.3, NM_001369788.1, NM_014191.4).
Identifiers: ClinVar variation 2498560 (VCV002498560.30), dbSNP rs760837869, ClinGen allele CA6571629.

ClinVar aggregate classification (germline): Likely benign. Review status: criteria provided, multiple submitters, no conflicts (2 of 4 stars). 2 submissions from 2 submitters: Likely benign (2). Last evaluated 2025-02-23.

Conditions:
Early-infantile DEE. Also called: Early infantile epileptic encephalopathy; Ohtahara syndrome; Early infantile epileptic encephalopathy with suppression bursts. Identifiers: Orphanet 1934, MedGen C0393706, MONDO:0800491.

Allele frequency attached by ClinVar (database versions not stated): gnomAD 0.00001; gnomAD exomes 0.00001; ExAC 0.00006.
gnomAD v4.1: 20 of 1,609,964 alleles (0.0012%); highest among the groups gnomAD compares: South Asian, 0.022%; no homozygotes.

Submissions (2):

Labcorp Genetics (formerly Invitae), Labcorp
Classification: Likely benign for Early-infantile DEE. Last evaluated: 2025-02-23. Review status: criteria provided, single submitter. Criteria: Invitae Variant Classification Sherloc (09022015). Collection method: clinical testing. Allele origin: germline.

CeGaT Center for Human Genetics Tuebingen
Classification: Likely benign. Last evaluated: 2023-03-01. Review status: criteria provided, single submitter. Criteria: CeGaT Center For Human Genetics Tuebingen Variant Classification Criteria Version 2. Collection method: clinical testing. Allele origin: germline. Affected: yes. Observed: 1 variant allele.
Comment: SCN8A: BP4, BP7